The following is an entry in ClinVar:

ClinVar aggregate classification (germline): Uncertain significance (1 of 4 stars; one submission).

Allele frequency attached by ClinVar (database versions not stated): gnomAD exomes below 0.00001; gnomAD 0.00001; TOPMed 0.00003.
gnomAD v4.1: 7 of 1,613,604 alleles (0.00043%); highest among the groups gnomAD compares: African/African-American, 0.0013%; no homozygotes.

Submission:

Labcorp Genetics (formerly Invitae), Labcorp
Classification: Uncertain significance. Last evaluated: 2021-10-27. Review status: criteria provided, single submitter. Criteria: Invitae Variant Classification Sherloc (09022015). Collection method: clinical testing. Allele origin: germline.
Comment: This sequence change replaces asparagine, a(n) neutral and polar amino acid, with serine, a(n) neutral and polar amino acid, at codon 386 of the WNT10B protein (p.Asn386Ser). This variant is present in population databases (no rsID available, gnomAD 0.0009%). This variant has not been reported in the literature in individuals affected with WNT10B-related conditions. Advanced modeling of protein sequence and biophysical properties (such as structural, functional, and spatial information, amino acid conservation, physicochemical variation, residue mobility, and thermodynamic stability) performed at Invitae indicates that this missense variant is not expected to disrupt WNT10B protein function. Algorithms developed to predict the effect of sequence changes on RNA splicing suggest that this variant may create or strengthen a splice site. In summary, the available evidence is currently insufficient to determine the role of this variant in disease. Therefore, it has been classified as a Variant of Uncertain Significance.

NM_003394.4(WNT10B):c.1157A>G (p.Asn386Ser)

Gene: WNT10B (Wnt family member 10B; minus strand). Cytogenetic location: 12q13.12.
Variant type: single nucleotide variant.
Coding change: c.1157A>G on transcript NM_003394.4 (MANE Select); coding-DNA position 1157, A replaced by G.
Protein change: p.Asn386Ser; replaces asparagine 386 with serine.
Molecular consequence: missense variant.
Genome position (GRCh38, 1-based): chr12:48,966,108, T>C on the plus strand (A>G on the coding strand, the complement: WNT10B is on the minus strand). VCF-style: chr12-48966108-T-C. GRCh37 (hg19) VCF-style: chr12-49359891-T-C.
Other names: short protein forms N386S.
Identifiers: ClinVar variation 1403304 (VCV001403304.4), dbSNP rs1485099299, ClinGen allele CA384670751.